The following is an entry in ClinVar:

NM_031407.7(HUWE1):c.6871C>G (p.Gln2291Glu)

Gene: HUWE1 (HECT, UBA and WWE domain containing E3 ubiquitin protein ligase 1; minus strand). Cytogenetic location: Xp11.22.
Variant type: single nucleotide variant.
Coding change: c.6871C>G on transcript NM_031407.7 (MANE Select); coding-DNA position 6871, C replaced by G.
Protein change: p.Gln2291Glu; replaces glutamine 2291 with glutamic acid.
Molecular consequence: missense variant.
Genome position (GRCh38, 1-based): chrX:53,565,076, G>C on the plus strand (C>G on the coding strand, the complement: HUWE1 is on the minus strand). VCF-style: chrX-53565076-G-C. GRCh37 (hg19) VCF-style: chrX-53592037-G-C.
Other names: c.6868C>G, p.Gln2290Glu (NM_001441048.1, NM_001441051.1, NM_001441053.1 and 2 more transcripts); c.6871C>G, p.Gln2291Glu (NM_001441049.1, NM_001441052.1, NM_001441054.1 and 1 more transcripts); c.6892C>G, p.Gln2298Glu (NM_001441050.1, NM_001441055.1); short protein forms Q2290E, Q2291E, Q2298E.
Identifiers: ClinVar variation 4527347 (VCV004527347.1).

ClinVar aggregate classification (germline): Uncertain significance (1 of 4 stars; one submission).

gnomAD v4.1: 1 of 1,210,959 alleles (0.000083%); highest among the groups gnomAD compares: Non-Finnish European, 0.00011%; no homozygotes.

Submission:

GeneDx
Classification: Uncertain significance. Last evaluated: 2025-04-27. Review status: criteria provided, single submitter. Criteria: GeneDx Variant Classification Process June 2021. Collection method: clinical testing. Allele origin: germline. Affected: yes.
Comment: Not observed at significant frequency in large population cohorts (gnomAD); In silico analysis indicates that this missense variant does not alter protein structure/function; Has not been previously published as pathogenic or benign to our knowledge